The following is an entry in ClinVar:

NM_020822.3(KCNT1):c.1420C>T (p.Arg474Cys)

Gene: KCNT1 (potassium sodium-activated channel subfamily T member 1; plus strand). Cytogenetic location: 9q34.3.
Variant type: single nucleotide variant.
Coding change: c.1420C>T on transcript NM_020822.3 (MANE Select); coding-DNA position 1420, C replaced by T.
Protein change: p.Arg474Cys; replaces arginine 474 with cysteine.
Molecular consequence: missense variant.
Genome position (GRCh38, 1-based): chr9:135,768,847, C>T. VCF-style: chr9-135768847-C-T. GRCh37 (hg19) VCF-style: chr9-138660693-C-T.
Other names: c.1285C>T, p.Arg429Cys (NM_001272003.2); short protein forms R474C, R429C.
Identifiers: ClinVar variation 265210 (VCV000265210.21), dbSNP rs866242631, ClinGen allele CA10588471.

ClinVar aggregate classification (germline): Pathogenic. Review status: criteria provided, multiple submitters, no conflicts (2 of 4 stars). 6 submissions from 6 submitters: Pathogenic (4). 2 of the submissions do not count toward it. Last evaluated 2026-01-11.

Conditions:
Developmental and epileptic encephalopathy, 14 (DEE14). Also called: Early infantile epileptic encephalopathy 14. Identifiers: Orphanet 293181, MedGen C3554195, MONDO:0013989, OMIM 614959.
Autosomal dominant nocturnal frontal lobe epilepsy 5. Also called: CILIARY DYSKINESIA, PRIMARY, 28, WITHOUT SITUS INVERSUS; KCNT1-Related Epilepsy; CILIARY DYSKINESIA, PRIMARY, 28, WITH SITUS INVERSUS; Epilepsy, nocturnal frontal lobe, 5. Identifiers: Orphanet 98784, MedGen C3554306, MONDO:0014002, OMIM 615005.

Submissions (6):

3billion
Classification: Pathogenic for Developmental and epileptic encephalopathy, 14. Last evaluated: 2026-01-11. Review status: criteria provided, single submitter. Criteria: ACMG Guidelines, 2015. Collection method: clinical testing. Allele origin: germline. Affected: yes.
Comment: The variant is not observed in the gnomAD v4.1.0 dataset. Predicted Consequence/Location: Missense variant. Missense changes are a common disease-causing mechanism. In silico tool predictions suggest damaging effect of the variant on gene or gene product [REVEL: 0.85 (>=0.6, sensitivity 0.68 and specificity 0.92); 3Cnet: 0.96 (> 0.75, sensitivity 0.96 and precision 0.92)]. The same nucleotide change resulting in the same amino acid change has been previously reported as pathogenic/likely pathogenic with strong evidence (ClinVar ID: VCV000265210 /PMID: 27081515 /3billion dataset). The variant has been previously reported as assumed (i.e. paternity and maternity not confirmed) de novo in at least one similarly affected unrelated individual (3billion dataset). Different missense changes at the same codon (p.Arg474Gly, p.Arg474His, p.Arg474Leu, p.Arg474Ser) have been reported as pathogenic/likely pathogenic with strong evidence (ClinVar ID: VCV000039595, VCV000280254, VCV001772271 /PMID: 23086397, 31164858). Therefore, this variant is classified as Pathogenic according to the recommendation of ACMG/AMP guideline.

GeneDx
Classification: Pathogenic. Last evaluated: 2024-11-25. Review status: criteria provided, single submitter. Criteria: GeneDx Variant Classification Process June 2021. Collection method: clinical testing. Allele origin: germline. Affected: yes.
Comment: Not observed at significant frequency in large population cohorts (gnomAD); In silico analysis supports that this missense variant has a deleterious effect on protein structure/function; This variant is associated with the following publications: (PMID: 25839129, 26140313, 27081515, 27652284, 28987752, 30945278, 31302675, 30782581, 31872048, 31532509, 32167590, 34489640, 34055682, 33650128, 32907636, 32883383, 36307859, 37177976, 33057194, 35982159, 31440721, 33528079, 34114611)

Labcorp Genetics (formerly Invitae), Labcorp
Classification: Pathogenic for Autosomal dominant nocturnal frontal lobe epilepsy 5; Developmental and epileptic encephalopathy, 14. Last evaluated: 2022-09-01. Review status: criteria provided, single submitter. Criteria: Invitae Variant Classification Sherloc (09022015). Collection method: clinical testing. Allele origin: germline.
Comment: For these reasons, this variant has been classified as Pathogenic. This sequence change replaces arginine, which is basic and polar, with cysteine, which is neutral and slightly polar, at codon 474 of the KCNT1 protein (p.Arg474Cys). This variant is not present in population databases (gnomAD no frequency). This missense change has been observed in individual(s) with early infantile epileptic encephalopathy (PMID: 26140313, 27081515, 27652284). In at least one individual the variant was observed to be de novo. This variant is also known as p.Arg429Cys. ClinVar contains an entry for this variant (Variation ID: 265210). Advanced modeling of protein sequence and biophysical properties (such as structural, functional, and spatial information, amino acid conservation, physicochemical variation, residue mobility, and thermodynamic stability) performed at Invitae indicates that this missense variant is expected to disrupt KCNT1 protein function. Algorithms developed to predict the effect of sequence changes on RNA splicing suggest that this variant may create or strengthen a splice site. This variant disrupts the p.Arg474 amino acid residue in KCNT1. Other variant(s) that disrupt this residue have been determined to be pathogenic (PMID: 23086397, 25482562, 26140313). This suggests that this residue is clinically significant, and that variants that disrupt this residue are likely to be disease-causing.

Victorian Clinical Genetics Services, Murdoch Childrens Research Institute
Classification: Pathogenic for Developmental and epileptic encephalopathy, 14. Last evaluated: 2022-02-02. Review status: criteria provided, single submitter. Criteria: ACMG Guidelines, 2015. Collection method: clinical testing. Allele origin: germline. Inheritance: Autosomal dominant inheritance. Affected: yes.
Comment: Based on the classification scheme VCGS_Germline_v1.3.4, this variant is classified as Pathogenic. Following criteria are met: 0101 - Gain of function is a known mechanism of disease in this gene and is associated with early infantile epileptic encephalopathy 1 (MIM#614959). (I) 0107 - This gene is associated with autosomal dominant disease. (I) 0200 - Variant is predicted to result in a missense amino acid change from arginine to cysteine. (I) 0115 - Variants in this gene are known to have variable expressivity (PMID: 26740507). (I) 0251 - This variant is heterozygous. (I) 0301 - Variant is absent from gnomAD (both v2 and v3). (SP) 0501 - Missense variant consistently predicted to be damaging by multiple in silico tools or highly conserved with a major amino acid change. (SP) 0602 - Variant is located in a hotspot region or cluster of pathogenic variants (DECIPHER). (SP) 0801 - This variant has very strong previous evidence of pathogenicity in unrelated individuals. It has been reported de novo in more than 5 individuals with epilepsy of infancy with migrating focal seizures (EIFMS) (PMID: 26140313, 27081515, 28987752, 31532509, ClinVar). In addition, this variant has been reported in an individual with epileptic encephalopathy, systemic-to-pulmonary artery collateralopathy, and intermittent QTc prolongation, and authors suggest it possibly explains the cardiac phenotype, however further studies are warranted to evaluate the cardiovascular effects of KCNT1 variants (PMID: 32883383). (SP) 1208 - Inheritance information for this variant is not currently available in this individual. (I) Legend: (SP) – Supporting pathogenic, (I) – Information, (SB) – Supporting benign

Genome Diagnostics Laboratory, University Medical Center Utrecht
Classification: Likely pathogenic. Review status: no assertion criteria provided. Collection method: clinical testing. Allele origin: germline. Affected: yes. Study: VKGL Data-share Consensus. Not counted in ClinVar's aggregate classification.

Joint Genome Diagnostic Labs from Nijmegen and Maastricht, Radboudumc and MUMC+
Classification: Pathogenic. Review status: no assertion criteria provided. Collection method: clinical testing. Allele origin: germline. Affected: yes. Study: VKGL Data-share Consensus. Not counted in ClinVar's aggregate classification.

Literature cited by the submitters: PubMed 27081515 (cited by 3 submitters); PubMed 23086397 (cited by 3billion and Labcorp Genetics (formerly Invitae), Labcorp); PubMed 26140313 (cited by Labcorp Genetics (formerly Invitae), Labcorp and Victorian Clinical Genetics Services, Murdoch Childrens Research Institute); PubMed 27652284 (cited by Labcorp Genetics (formerly Invitae), Labcorp); PubMed 25482562 (cited by Labcorp Genetics (formerly Invitae), Labcorp); PubMed 26740507 (cited by Victorian Clinical Genetics Services, Murdoch Childrens Research Institute); PubMed 28987752 (cited by Victorian Clinical Genetics Services, Murdoch Childrens Research Institute); PubMed 31532509 (cited by Victorian Clinical Genetics Services, Murdoch Childrens Research Institute); PubMed 32883383 (cited by Victorian Clinical Genetics Services, Murdoch Childrens Research Institute).